The following is an entry in ClinVar:

NM_000038.6(APC):c.4328C>T (p.Pro1443Leu)

Gene: APC (APC regulator of Wnt signaling pathway; plus strand). Cytogenetic location: 5q22.2.
Variant type: single nucleotide variant.
Coding change: c.4328C>T on transcript NM_000038.6 (MANE Select); coding-DNA position 4328, C replaced by T.
Protein change: p.Pro1443Leu; replaces proline 1443 with leucine.
Molecular consequence: missense variant.
Genome position (GRCh38, 1-based): chr5:112,839,922, C>T. VCF-style: chr5-112839922-C-T. GRCh37 (hg19) VCF-style: chr5-112175619-C-T.
Other names: c.4328C>T, p.Pro1443Leu (NM_001127510.3, NM_001354895.2, NM_001407450.1); c.4274C>T, p.Pro1425Leu (NM_001127511.3); c.4382C>T, p.Pro1461Leu (NM_001354896.2, NM_001407447.1, NM_001407448.1 and 1 more transcripts); c.4358C>T, p.Pro1453Leu (NM_001354897.2); c.4253C>T, p.Pro1418Leu (NM_001354898.2); c.4244C>T, p.Pro1415Leu (NM_001354899.2); c.4205C>T, p.Pro1402Leu (NM_001354900.2); c.4151C>T, p.Pro1384Leu (NM_001354901.2, NM_001407453.1); and 11 more; short protein forms P1402L, P1415L, P1433L, P1443L, P1453L, P1059L, P1160L, P1283L.
Identifiers: ClinVar variation 1739741 (VCV001739741.4), dbSNP rs2149911871, ClinGen allele CA16030818.

ClinVar aggregate classification (germline): Uncertain significance. Review status: criteria provided, multiple submitters, no conflicts (2 of 4 stars). 2 submissions from 2 submitters: Uncertain significance (2). Last evaluated 2025-04-10.

Conditions:
Hereditary cancer-predisposing syndrome. Also called: Hereditary Cancer Syndrome; Hereditary neoplastic syndrome; Neoplastic Syndromes, Hereditary; Tumor predisposition. Identifiers: Orphanet 140162, MedGen C0027672, MeSH D009386, MONDO:0015356.
Classic or attenuated familial adenomatous polyposis. Identifiers: MedGen CN372698, MONDO:0021057.

Submissions (2):

Ambry Genetics
Classification: Uncertain significance for Hereditary cancer-predisposing syndrome. Last evaluated: 2025-04-10. Review status: criteria provided, single submitter. Criteria: Ambry Variant Classification Scheme 2023. Collection method: clinical testing. Allele origin: germline.
Comment: The p.P1443L variant (also known as c.4328C>T), located in coding exon 15 of the APC gene, results from a C to T substitution at nucleotide position 4328. The proline at codon 1443 is replaced by leucine, an amino acid with similar properties. This amino acid position is well conserved in available vertebrate species. In addition, in silico predictors for this gene do not accurately predict pathogenicity. Since supporting evidence is limited at this time, the clinical significance of this alteration remains unclear.

All of Us Research Program, National Institutes of Health
Classification: Uncertain significance for Classic or attenuated familial adenomatous polyposis. Last evaluated: 2024-01-11. Review status: criteria provided, single submitter. Criteria: ACMG Guidelines, 2015. Collection method: clinical testing. Allele origin: germline. Inheritance: Autosomal dominant inheritance. Observed: 1 variant allele, 1 heterozygote.
Comment: This study involves interpretation of variants in research participants for the purpose of population health screening. Participant phenotype was not available at the time of variant classification. Additional details can be found in publication PMID: 35346344, PMCID: PMC8962531